The following is an entry in ClinVar:

NM_001692.4(ATP6V1B1):c.40G>A (p.Gly14Ser)

Gene: ATP6V1B1 (ATPase H+ transporting V1 subunit B1; plus strand). Cytogenetic location: 2p13.3.
Variant type: single nucleotide variant.
Coding change: c.40G>A on transcript NM_001692.4 (MANE Select); coding-DNA position 40, G replaced by A.
Protein change: p.Gly14Ser; replaces glycine 14 with serine.
Molecular consequence: missense variant.
Genome position (GRCh38, 1-based): chr2:70,935,994, G>A. VCF-style: chr2-70935994-G-A. GRCh37 (hg19) VCF-style: chr2-71163124-G-A.
Other names: short protein forms G14S.
Identifiers: ClinVar variation 761407 (VCV000761407.24), dbSNP rs111306070, ClinGen allele CA1700819.

ClinVar aggregate classification (germline): Benign/Likely benign. Review status: criteria provided, multiple submitters, no conflicts (2 of 4 stars). 7 submissions from 7 submitters: Benign (2); Likely benign (4). 1 of the submissions does not count toward it. Last evaluated 2026-08-11.

Conditions:
Renal tubular acidosis with progressive nerve deafness. Also called: renal tubular acidosis, distal, 2, with progressive sensorineural hearing loss; Distal Renal Tubular Acidosis with Progressive Sensorineural Deafness; RENAL TUBULAR ACIDOSIS, AUTOSOMAL RECESSIVE, WITH PROGRESSIVE NERVE DEAFNESS; RTA WITH PROGRESSIVE NERVE DEAFNESS. Identifiers: MedGen C0403554, MONDO:0009968, OMIM 267300.
ATP6V1B1-related disorder. Also called: ATP6V1B1-related condition.

Allele frequency attached by ClinVar (database versions not stated): gnomAD 0.00020 and 0.00027; TOPMed 0.00055; gnomAD exomes 0.00056; 1000 Genomes Project 30x 0.00094; 1000 Genomes Project 0.00100.
gnomAD v4.1: 290 of 1,613,966 alleles (0.018%); highest among the groups gnomAD compares: East Asian, 0.39%; 1 homozygote.

Submissions (7):

PreventionGenetics, part of Exact Sciences
Classification: Likely benign for ATP6V1B1-related condition. Last evaluated: 2026-08-11. Review status: criteria provided, single submitter. Criteria: ACMG Guidelines, 2015. Collection method: clinical testing. Allele origin: germline.
Comment: This variant is classified as likely benign based on ACMG/AMP sequence variant interpretation guidelines (Richards et al. 2015 PMID: 25741868, with internal and published modifications).

Labcorp Genetics (formerly Invitae), Labcorp
Classification: Benign. Last evaluated: 2026-01-25. Review status: criteria provided, single submitter. Criteria: Invitae Variant Classification Sherloc (09022015). Collection method: clinical testing. Allele origin: germline.

Blueprint Genetics
Classification: Likely benign. Last evaluated: 2024-06-24. Review status: criteria provided, single submitter. Criteria: ACMG Guidelines, 2015. Collection method: clinical testing. Allele origin: germline.

GeneDx
Classification: Likely benign. Last evaluated: 2019-12-17. Review status: criteria provided, single submitter. Criteria: GeneDx Variant Classification Process June 2021. Collection method: clinical testing. Allele origin: germline. Affected: yes.

Laboratory for Molecular Medicine, Mass General Brigham Personalized Medicine
Classification: Benign. Last evaluated: 2019-09-25. Review status: criteria provided, single submitter. Criteria: LMM Criteria. Collection method: clinical testing. Allele origin: germline. Observed: 1 variant allele.
Comment: The p.Gly14Ser variant in ATP6V1B1 is classified as benign because it has been identified in 0.69% (138/19944) of East Asian chromosomes by gnomAD. ACMG/AMP Criteria applied: BA1.

Illumina Laboratory Services, Illumina
Classification: Likely benign for Renal tubular acidosis with progressive nerve deafness. Last evaluated: 2018-01-13. Review status: criteria provided, single submitter. Criteria: ICSL Variant Classification Criteria 13 December 2019. Collection method: clinical testing. Allele origin: germline.
Comment: This variant was observed in the ICSL laboratory as part of a predisposition screen in an ostensibly healthy population. It had not been previously curated by ICSL or reported in the Human Gene Mutation Database (HGMD: prior to June 1st, 2018), and was therefore a candidate for classification through an automated scoring system. Utilizing variant allele frequency, disease prevalence and penetrance estimates, and inheritance mode, an automated score was calculated to assess if this variant is too frequent to cause the disease. Based on the score and internal cut-off values, a variant classified as likely benign is not then subjected to further curation. The score for this variant resulted in a classification of likely benign for this disease.

Natera, Inc.
Classification: Uncertain significance for Renal tubular acidosis with progressive nerve deafness. Last evaluated: 2019-12-24. Review status: no assertion criteria provided. Collection method: clinical testing. Allele origin: germline. Not counted in ClinVar's aggregate classification.